The following is an entry in ClinVar:

NM_001374353.1(GLI2):c.720C>T (p.Asp240=)

Gene: GLI2 (GLI family zinc finger 2; plus strand). Cytogenetic location: 2q14.2.
Variant type: single nucleotide variant.
Coding change: c.720C>T on transcript NM_001374353.1 (MANE Select); coding-DNA position 720, C replaced by T.
Protein change: p.Asp240=; no amino-acid change (aspartic acid 240 retained).
Molecular consequence: synonymous variant.
Genome position (GRCh38, 1-based): chr2:120,968,790, C>T. VCF-style: chr2-120968790-C-T. GRCh37 (hg19) VCF-style: chr2-121726366-C-T.
Other names: c.720C>T, p.Asp240= (NM_001371271.1, NM_005270.5); c.345C>T, p.Asp115= (NM_001374354.1).
Identifiers: ClinVar variation 259735 (VCV000259735.56), dbSNP rs142793481, ClinGen allele CA1851642.

ClinVar aggregate classification (germline): Benign/Likely benign. Review status: criteria provided, multiple submitters, no conflicts (2 of 4 stars). 11 submissions from 11 submitters: Benign (8); Likely benign (1). 2 of the submissions do not count toward it. Last evaluated 2026-08-01.

Conditions:
Holoprosencephaly 9 (HPE9). Also called: PITUITARY ANOMALIES WITH HOLOPROSENCEPHALY-LIKE FEATURES; HOLOPROSENCEPHALY WITH MICROPHTHALMIA AND FIRST BRANCHIAL ARCH ANOMALIES. Identifiers: Orphanet 2162, MedGen C1835819, MONDO:0012563, OMIM 610829.
Postaxial polydactyly-anterior pituitary anomalies-facial dysmorphism syndrome. Also called: Culler-Jones syndrome. Identifiers: Orphanet 420584, MedGen C4014479, MONDO:0014369, OMIM 615849.

Allele frequency attached by ClinVar (database versions not stated): 1000 Genomes Project 30x 0.00344; 1000 Genomes Project 0.00359; TOPMed 0.00368; ESP Exome Variant Server 0.00415; gnomAD 0.00483 and 0.00502; gnomAD exomes 0.00643 and 0.00729; ExAC 0.00734.
gnomAD v4.1: 10,148 of 1,613,764 alleles (0.63%); highest among the groups gnomAD compares: Middle Eastern, 1%; 54 homozygotes.

Submissions (11):

CeGaT Center for Human Genetics Tuebingen
Classification: Benign. Last evaluated: 2026-08-01. Review status: criteria provided, single submitter. Criteria: CeGaT Center For Human Genetics Tuebingen Variant Classification Criteria Version 2. Collection method: clinical testing. Allele origin: germline. Affected: yes. Observed: 16 variant alleles.
Comment: GLI2: BP4, BP7, BS1, BS2

Women's Health and Genetics/Laboratory Corporation of America, LabCorp
Classification: Benign. Last evaluated: 2026-05-11. Review status: criteria provided, single submitter. Criteria: LabCorp Variant Classification Summary - May 2015. Collection method: clinical testing. Allele origin: germline.

Labcorp Genetics (formerly Invitae), Labcorp
Classification: Benign for Postaxial polydactyly-anterior pituitary anomalies-facial dysmorphism syndrome; Holoprosencephaly 9. Last evaluated: 2026-02-02. Review status: criteria provided, single submitter. Criteria: Invitae Variant Classification Sherloc (09022015). Collection method: clinical testing. Allele origin: germline.

GeneDx
Classification: Likely benign. Last evaluated: 2021-03-14. Review status: criteria provided, single submitter. Criteria: GeneDx Variant Classification Process June 2021. Collection method: clinical testing. Allele origin: germline. Affected: yes.
Comment: See Variant Classification Assertion Criteria.

ARUP Laboratories, Molecular Genetics and Genomics, ARUP Laboratories
Classification: Benign. Last evaluated: 2020-01-20. Review status: criteria provided, single submitter. Criteria: ARUP Molecular Germline Variant Investigation Process. Collection method: clinical testing. Allele origin: germline.

Illumina Laboratory Services, Illumina
Classification: Benign for Holoprosencephaly 9. Last evaluated: 2018-01-13. Review status: criteria provided, single submitter. Criteria: ICSL Variant Classification Criteria 13 December 2019. Collection method: clinical testing. Allele origin: germline.
Comment: This variant was observed in the ICSL laboratory as part of a predisposition screen in an ostensibly healthy population. It had not been previously curated by ICSL or reported in the Human Gene Mutation Database (HGMD: prior to June 1st, 2018), and was therefore a candidate for classification through an automated scoring system. Utilizing variant allele frequency, disease prevalence and penetrance estimates, and inheritance mode, an automated score was calculated to assess if this variant is too frequent to cause the disease. Based on the score and internal cut-off values, a variant classified as benign is not then subjected to further curation. The score for this variant resulted in a classification of benign for this disease.

Eurofins Ntd Llc (ga)
Classification: Benign. Last evaluated: 2015-09-17. Review status: criteria provided, single submitter. Criteria: EGL Classification Definitions 2015. Collection method: clinical testing. Allele origin: germline. Observed: 1 variant allele, 1 heterozygote.

Breakthrough Genomics
Classification: Benign. Review status: criteria provided, single submitter. Criteria: ACMG Guidelines, 2015. Collection method: not provided. Allele origin: germline. Inheritance: Autosomal dominant inheritance. Affected: yes.

PreventionGenetics, part of Exact Sciences
Classification: Benign. Review status: criteria provided, single submitter. Criteria: ACMG Guidelines, 2015. Collection method: clinical testing. Allele origin: germline.

Clinical Genetics DNA and cytogenetics Diagnostics Lab, Erasmus MC, Erasmus Medical Center
Classification: Benign. Review status: no assertion criteria provided. Collection method: clinical testing. Allele origin: germline. Affected: yes. Study: VKGL Data-share Consensus. Not counted in ClinVar's aggregate classification.

Clinical Genetics, Academic Medical Center
Classification: Benign. Review status: no assertion criteria provided. Collection method: clinical testing. Allele origin: germline. Affected: yes. Study: VKGL Data-share Consensus. Not counted in ClinVar's aggregate classification.